The following is an entry in ClinVar:

ClinVar aggregate classification (germline): Pathogenic. Review status: reviewed by expert panel (3 of 4 stars). 2 submissions from 2 submitters: Pathogenic (1). 1 of the submissions does not count toward it. Last evaluated 2022-07-07.

Conditions:
Acute myeloid leukemia (AML). Also called: Acute myeloid leukemia, adult; AML adult; Acute non-lymphocytic leukemia; Acute granulocytic leukemia; Leukemia, acute myelogenous, somatic; Leukemia, acute myeloid, somatic. Identifiers: Orphanet 519, MedGen C0023467, MeSH D015470, MONDO:0018874, OMIM 601626, HP:0004808. Disease mechanism: Constitutively activated FLT3.
Hereditary thrombocytopenia and hematologic cancer predisposition syndrome. Identifiers: Orphanet 71290, MedGen CN281654, MONDO:0011071.

Submissions (2):

ClinGen Myeloid Malignancy Variant Curation Expert Panel
Classification: Pathogenic for Hereditary thrombocytopenia and hematologic cancer predisposition syndrome. Last evaluated: 2022-07-07. Review status: reviewed by expert panel. Criteria: ClinGen MyeloMalig ACMG Specifications v2. Collection method: curation. Allele origin: germline. Inheritance: Autosomal dominant inheritance.
Comment: NM_001754.5(RUNX1):c.588del (p.Val197fs) is a frameshift variant. Null variant predicted to undergo NMD and exon is present in biologically relevant transcripts (PVS1, SNV Tree). This variant is completely absent from all population databases with at least 20x coverage for RUNX1 (PM2_supporting). Frameshift variant downstream of c.98 (PM5_supporting). In summary, this variant meets criteria to be classified as likely pathogenic. ACMG/AMP criteria applied, as specified by the Myeloid Malignancy Variant Curation Expert Panel for RUNX1: PVS1 and PM2_supporting

Bone Marrow Failure laboratory, Queen Mary University London
Classification: Pathogenic for Acute myeloid leukemia. Last evaluated: 2021-01-20. Review status: criteria provided, single submitter. Criteria: ACMG Guidelines, 2015. Collection method: research. Allele origin: germline. Affected: yes. Not counted in ClinVar's aggregate classification.
Comment: His father, who had thrombocytopenia, was also heterozygous for the variant.

Literature cited by the submitters: PubMed 20722699 (cited by Bone Marrow Failure laboratory, Queen Mary University London).

NM_001754.5(RUNX1):c.588del (p.Val197fs)

Genes: RUNX1 (RUNX family transcription factor 1; minus strand), RUNX1-AS1 (RUNX1 antisense RNA 1; plus strand). Cytogenetic location: 21q22.12.
Variant type: Deletion.
Coding change: c.588del on transcript NM_001754.5 (MANE Select); coding-DNA position 588, one base deleted (A; older notation c.588delA).
Protein change: p.Val197fs; shifts the reading frame from valine 197.
Molecular consequence: frameshift variant.
Genome position (GRCh38, 1-based): chr21:34,859,499, T deleted on the plus strand (A on the coding strand, the reverse complement: RUNX1 is on the minus strand). VCF-style (leftmost placement, unchanged base first): chr21-34859498-CT-C. GRCh37 (hg19) VCF-style: chr21-36231795-CT-C.
Other names: NM_001754.5(RUNX1):c.588del; p.Val197fs; c.507del, p.Val170fs (NM_001001890.3, NM_001122607.2); c.588delA (NM_001754.5); short protein forms V170fs, V197fs.
Identifiers: ClinVar variation 1013620 (VCV001013620.3), dbSNP rs2057541271, ClinGen allele CA2387284481.